The following is an entry in ClinVar:

ClinVar aggregate classification (germline): Pathogenic (1 of 4 stars; one submission).

Submission:

Labcorp Genetics (formerly Invitae), Labcorp
Classification: Pathogenic. Last evaluated: 2024-04-01. Review status: criteria provided, single submitter. Criteria: Invitae Variant Classification Sherloc (09022015). Collection method: clinical testing. Allele origin: germline.
Comment: This sequence change creates a premature translational stop signal (p.Ser384Argfs*4) in the EXOSC9 gene. It is expected to result in an absent or disrupted protein product. Loss-of-function variants in EXOSC9 are known to be pathogenic (PMID: 29727687, 33040083). This variant is not present in population databases (gnomAD no frequency). This variant has not been reported in the literature in individuals affected with EXOSC9-related conditions. For these reasons, this variant has been classified as Pathogenic.

Literature cited by the submitters: PubMed 29727687; PubMed 33040083.

NM_005033.3(EXOSC9):c.1151_1152insGGTTAGGTAGGTGACA (p.Ser384delinsArgValArgTer)

Gene: EXOSC9 (exosome component 9; plus strand). Cytogenetic location: 4q27.
Variant type: Insertion.
Coding change: c.1151_1152insGGTTAGGTAGGTGACA on transcript NM_005033.3 (MANE Select); coding-DNA positions 1151 to 1152, GGTTAGGTAGGTGACA inserted.
Protein change: p.Ser384delinsArgValArgTer.
Molecular consequence: nonsense.
Genome position: GRCh38 VCF-style: chr4-121814042-G-GGGTTAGGTAGGTGACA. GRCh37 (hg19) VCF-style: chr4-122735197-G-GGGTTAGGTAGGTGACA.
Other names: c.1151_1152insGGTTAGGTAGGTGACA, p.Ser384delinsArgValArgTer (NM_001034194.2).
Identifiers: ClinVar variation 3683294 (VCV003683294.2).